The following is an entry in ClinVar:

NM_000214.3(JAG1):c.3579C>G (p.His1193Gln)

Gene: JAG1 (jagged canonical Notch ligand 1; minus strand). Cytogenetic location: 20p12.2.
Variant type: single nucleotide variant.
Coding change: c.3579C>G on transcript NM_000214.3 (MANE Select); coding-DNA position 3579, C replaced by G.
Protein change: p.His1193Gln; replaces histidine 1193 with glutamine.
Molecular consequence: missense variant.
Genome position (GRCh38, 1-based): chr20:10,639,576, G>C on the plus strand (C>G on the coding strand, the complement: JAG1 is on the minus strand). VCF-style: chr20-10639576-G-C. GRCh37 (hg19) VCF-style: chr20-10620224-G-C.
Other names: short protein forms H1193Q.
Identifiers: ClinVar variation 1732851 (VCV001732851.2), dbSNP rs1251134628, ClinGen allele CA408242441.

ClinVar aggregate classification (germline): Uncertain significance (1 of 4 stars; one submission).

Conditions:
Cardiovascular phenotype. Identifiers: MedGen CN230736.

Allele frequency attached by ClinVar (database versions not stated): gnomAD exomes below 0.00001; TOPMed below 0.00001.
gnomAD v4.1: 2 of 1,614,192 alleles (0.00012%); highest among the groups gnomAD compares: African/African-American, 0.0013%; no homozygotes.

Submission:

Ambry Genetics
Classification: Uncertain significance for Cardiovascular phenotype. Last evaluated: 2022-02-11. Review status: criteria provided, single submitter. Criteria: Ambry Variant Classification Scheme 2023. Collection method: clinical testing. Allele origin: germline.
Comment: The p.H1193Q variant (also known as c.3579C>G), located in coding exon 26 of the JAG1 gene, results from a C to G substitution at nucleotide position 3579. The histidine at codon 1193 is replaced by glutamine, an amino acid with highly similar properties. This amino acid position is conserved. In addition, this alteration is predicted to be tolerated by in silico analysis. Since supporting evidence is limited at this time, the clinical significance of this alteration remains unclear.